The following is an entry in ClinVar:

ClinVar aggregate classification (germline): Uncertain significance. Review status: criteria provided, multiple submitters, no conflicts (2 of 4 stars). 2 submissions from 2 submitters: Uncertain significance (2). Last evaluated 2025-01-27.

Conditions:
Desmin-related myofibrillar myopathy (MFM1). Also called: Desminopathy; Myofibrillar myopathy 1; MYOFIBRILLAR MYOPATHY WITH ARRHYTHMOGENIC RIGHT VENTRICULAR CARDIOMYOPATHY; DESMIN-RELATED MYOPATHY WITH ARRHYTHMOGENIC RIGHT VENTRICULAR CARDIOMYOPATHY; Desmin related myopathy (former name); Desmin storage myopathy (former name). Identifiers: Orphanet 363543, Orphanet 98909, MedGen C1832370, MONDO:0011076, OMIM 601419.

Allele frequency attached by ClinVar (database versions not stated): gnomAD exomes 0.00001.
gnomAD v4.1: 11 of 1,613,480 alleles (0.00068%); highest among the groups gnomAD compares: Non-Finnish European, 0.00093%; no homozygotes.

Submissions (2):

Labcorp Genetics (formerly Invitae), Labcorp
Classification: Uncertain significance for Desmin-related myofibrillar myopathy. Last evaluated: 2025-01-27. Review status: criteria provided, single submitter. Criteria: Invitae Variant Classification Sherloc (09022015). Collection method: clinical testing. Allele origin: germline.
Comment: This sequence change replaces glutamic acid, which is acidic and polar, with lysine, which is basic and polar, at codon 334 of the DES protein (p.Glu334Lys). This variant is not present in population databases (gnomAD no frequency). This variant has not been reported in the literature in individuals affected with DES-related conditions. ClinVar contains an entry for this variant (Variation ID: 650223). Invitae Evidence Modeling of protein sequence and biophysical properties (such as structural, functional, and spatial information, amino acid conservation, physicochemical variation, residue mobility, and thermodynamic stability) has been performed for this missense variant. However, the output from this modeling did not meet the statistical confidence thresholds required to predict the impact of this variant on DES protein function. In summary, the available evidence is currently insufficient to determine the role of this variant in disease. Therefore, it has been classified as a Variant of Uncertain Significance.

Revvity Omics, Revvity
Classification: Uncertain significance. Last evaluated: 2023-11-20. Review status: criteria provided, single submitter. Criteria: ACMG Guidelines, 2015. Collection method: clinical testing. Allele origin: germline.

NM_001927.4(DES):c.1000G>A (p.Glu334Lys)

Gene: DES (desmin; plus strand). Cytogenetic location: 2q35.
Variant type: single nucleotide variant.
Coding change: c.1000G>A on transcript NM_001927.4 (MANE Select); coding-DNA position 1000, G replaced by A.
Protein change: p.Glu334Lys; replaces glutamic acid 334 with lysine.
Molecular consequence: missense variant.
Genome position (GRCh38, 1-based): chr2:219,420,930, G>A. VCF-style: chr2-219420930-G-A. GRCh37 (hg19) VCF-style: chr2-220285652-G-A.
Other names: c.1000G>A (LRG_380t1); short protein forms E334K.
Identifiers: ClinVar variation 650223 (VCV000650223.10), dbSNP rs1227068284, ClinGen allele CA350693188.